The following is an entry in ClinVar:

ClinVar aggregate classification (germline): Uncertain significance (1 of 4 stars; one submission).

Submission:

Ambry Genetics
Classification: Uncertain significance. Last evaluated: 2023-01-15. Review status: criteria provided, single submitter. Criteria: Ambry Variant Classification Scheme 2023. Collection method: clinical testing. Allele origin: germline.
Comment: The p.K409E variant (also known as c.1225A>G), located in coding exon 1 of the MLH3 gene, results from an A to G substitution at nucleotide position 1225. The lysine at codon 409 is replaced by glutamic acid, an amino acid with similar properties. This amino acid position is conserved. In addition, the in silico prediction for this alteration is inconclusive. Since supporting evidence is limited at this time, the clinical significance of this alteration remains unclear.

NM_001040108.2(MLH3):c.1225A>G (p.Lys409Glu)

Gene: MLH3 (mutL homolog 3; minus strand). Cytogenetic location: 14q24.3.
Variant type: single nucleotide variant.
Coding change: c.1225A>G on transcript NM_001040108.2 (MANE Select); coding-DNA position 1225, A replaced by G.
Protein change: p.Lys409Glu; replaces lysine 409 with glutamic acid.
Molecular consequence: missense variant.
Genome position (GRCh38, 1-based): chr14:75,048,431, T>C on the plus strand (A>G on the coding strand, the complement: MLH3 is on the minus strand). VCF-style: chr14-75048431-T-C. GRCh37 (hg19) VCF-style: chr14-75515134-T-C.
Other names: c.1225A>G, p.Lys409Glu (NM_014381.3); short protein forms K409E.
Identifiers: ClinVar variation 2448649 (VCV002448649.2), dbSNP rs2503300954, ClinGen allele CA390446940.